The following is an entry in ClinVar:

ClinVar aggregate classification (germline): Uncertain significance. Review status: criteria provided, multiple submitters, no conflicts (2 of 4 stars). 2 submissions from 2 submitters: Uncertain significance (2). Last evaluated 2024-10-21.

Allele frequency attached by ClinVar (database versions not stated): gnomAD 0.00003; TOPMed 0.00003; ExAC 0.00011.
gnomAD v4.1: 54 of 1,557,112 alleles (0.0035%); highest among the groups gnomAD compares: Admixed American, 0.0039%; no homozygotes.

Submissions (2):

Blueprint Genetics
Classification: Uncertain significance. Last evaluated: 2024-10-21. Review status: criteria provided, single submitter. Criteria: ACMG Guidelines, 2015. Collection method: clinical testing. Allele origin: germline.

Labcorp Genetics (formerly Invitae), Labcorp
Classification: Uncertain significance. Last evaluated: 2021-12-15. Review status: criteria provided, single submitter. Criteria: Invitae Variant Classification Sherloc (09022015). Collection method: clinical testing. Allele origin: germline.
Comment: In summary, the available evidence is currently insufficient to determine the role of this variant in disease. Therefore, it has been classified as a Variant of Uncertain Significance. Algorithms developed to predict the effect of missense changes on protein structure and function are either unavailable or do not agree on the potential impact of this missense change (SIFT: "Deleterious"; PolyPhen-2: "Probably Damaging"; Align-GVGD: "Class C0"). This variant has not been reported in the literature in individuals affected with SLC26A1-related conditions. This variant is present in population databases (rs755078988, gnomAD 0.05%). This sequence change replaces alanine, which is neutral and non-polar, with aspartic acid, which is acidic and polar, at codon 398 of the SLC26A1 protein (p.Ala398Asp).

NM_022042.4(SLC26A1):c.1193C>A (p.Ala398Asp)

Genes: IDUA (alpha-L-iduronidase; plus strand), SLC26A1 (solute carrier family 26 member 1; minus strand). Cytogenetic location: 4p16.3.
Variant type: single nucleotide variant.
Coding change: c.1193C>A on transcript NM_022042.4 (MANE Select); coding-DNA position 1193, C replaced by A.
Protein change: p.Ala398Asp; replaces alanine 398 with aspartic acid.
Molecular consequence: missense variant. On other transcripts: intron variant (2).
Genome position (GRCh38, 1-based): chr4:989,746, G>T on the plus strand (C>A on the coding strand, the complement: SLC26A1 is on the minus strand). VCF-style: chr4-989746-G-T. GRCh37 (hg19) VCF-style: chr4-983534-G-T.
Other names: c.1193C>A, p.Ala398Asp (NM_213613.4); c.576+1382C>A (NM_134425.4); c.299+1797G>T (NM_000203.5); short protein forms A398D.
Identifiers: ClinVar variation 1904556 (VCV001904556.6), dbSNP rs755078988, ClinGen allele CA2801438.